The following is an entry in ClinVar:

ClinVar aggregate classification (germline): Conflicting classifications of pathogenicity. Review status: criteria provided, conflicting classifications (1 of 4 stars). 3 submissions from 3 submitters: Uncertain significance (2); Likely benign (1). Last evaluated 2025-09-10.

Conditions:
Familial acute necrotizing encephalopathy (IIAE3). Also called: Susceptibility to Acute Necrotizing Encephalopathy 1; ENCEPHALOPATHY, ACUTE, INFECTION-INDUCED, SUSCEPTIBILITY TO, 3. Identifiers: Orphanet 88619, MedGen C2675556, MONDO:0011953, OMIM 608033.

Allele frequency attached by ClinVar (database versions not stated): ExAC 0.00003; gnomAD exomes 0.00009 and 0.00014; gnomAD 0.00017 and 0.00019; TOPMed 0.00018; ESP Exome Variant Server 0.00024.
gnomAD v4.1: 223 of 1,611,862 alleles (0.014%); highest among the groups gnomAD compares: Non-Finnish European, 0.018%; no homozygotes.

Submissions (3):

Labcorp Genetics (formerly Invitae), Labcorp
Classification: Uncertain significance for Familial acute necrotizing encephalopathy. Last evaluated: 2025-09-10. Review status: criteria provided, single submitter. Criteria: Invitae Variant Classification Sherloc (09022015). Collection method: clinical testing. Allele origin: germline.
Comment: This sequence change replaces alanine, which is neutral and non-polar, with glycine, which is neutral and non-polar, at codon 573 of the RANBP2 protein (p.Ala573Gly). This variant is present in population databases (rs141122553, gnomAD 0.02%). This variant has not been reported in the literature in individuals affected with RANBP2-related conditions. ClinVar contains an entry for this variant (Variation ID: 469429). An algorithm developed to predict the effect of missense changes on protein structure and function (PolyPhen-2) suggests that this variant is likely to be tolerated. In summary, the available evidence is currently insufficient to determine the role of this variant in disease. Therefore, it has been classified as a Variant of Uncertain Significance.

Blueprint Genetics
Classification: Likely benign. Last evaluated: 2022-06-27. Review status: criteria provided, single submitter. Criteria: ACMG Guidelines, 2015. Collection method: clinical testing. Allele origin: germline.

Ambry Genetics
Classification: Uncertain significance. Last evaluated: 2021-09-16. Review status: criteria provided, single submitter. Criteria: Ambry Variant Classification Scheme 2023. Collection method: clinical testing. Allele origin: germline.

NM_006267.5(RANBP2):c.1718C>G (p.Ala573Gly)

Gene: RANBP2 (RAN binding protein 2; plus strand). Cytogenetic location: 2q13.
Variant type: single nucleotide variant.
Coding change: c.1718C>G on transcript NM_006267.5 (MANE Select); coding-DNA position 1718, C replaced by G.
Protein change: p.Ala573Gly; replaces alanine 573 with glycine.
Molecular consequence: missense variant.
Genome position (GRCh38, 1-based): chr2:108,751,957, C>G. VCF-style: chr2-108751957-C-G. GRCh37 (hg19) VCF-style: chr2-109368413-C-G.
Other names: short protein forms A573G.
Identifiers: ClinVar variation 469429 (VCV000469429.8), dbSNP rs141122553, ClinGen allele CA1822412.